The following is an entry in ClinVar:

NM_001042492.3(NF1):c.289-4T>G

Gene: NF1 (neurofibromin 1; plus strand). Cytogenetic location: 17q11.2.
Variant type: single nucleotide variant.
Coding change: c.289-4T>G on transcript NM_001042492.3 (MANE Select); 4 bases into the intron before coding-DNA position 289, T replaced by G.
Molecular consequence: intron variant.
Genome position (GRCh38, 1-based): chr17:31,163,182, T>G. VCF-style: chr17-31163182-T-G. GRCh37 (hg19) VCF-style: chr17-29490200-T-G.
Other names: c.289-4T>G (NM_000267.4, NM_001128147.3).
Identifiers: ClinVar variation 758705 (VCV000758705.14), dbSNP rs1258767746, ClinGen allele CA728021120.

ClinVar aggregate classification (germline): Conflicting classifications of pathogenicity. Review status: criteria provided, conflicting classifications (1 of 4 stars). 2 submissions from 2 submitters: Uncertain significance (1); Likely benign (1). Last evaluated 2025-08-06.

Conditions:
Neurofibromatosis, type 1 (NF1). Also called: VON RECKLINGHAUSEN DISEASE; Neurofibromatosis, type I; NEUROFIBROMATOSIS, TYPE I, SOMATIC; Peripheral type neurofibromatosis. Identifiers: Orphanet 636, MedGen C0027831, MONDO:0018975, OMIM 162200. Disease mechanism: loss of function.
Cardiovascular phenotype. Identifiers: MedGen CN230736.
Hereditary cancer-predisposing syndrome. Also called: Tumor predisposition; Hereditary Cancer Syndrome; Neoplastic Syndromes, Hereditary; Hereditary neoplastic syndrome. Identifiers: Orphanet 140162, MedGen C0027672, MeSH D009386, MONDO:0015356.

Allele frequency attached by ClinVar (database versions not stated): gnomAD 0.00001; TOPMed 0.00001.
gnomAD v4.1: 5 of 1,613,778 alleles (0.00031%); highest among the groups gnomAD compares: Non-Finnish European, 0.00042%; no homozygotes.

Submissions (2):

Labcorp Genetics (formerly Invitae), Labcorp
Classification: Likely benign for Neurofibromatosis, type 1. Last evaluated: 2025-08-06. Review status: criteria provided, single submitter. Criteria: Invitae Variant Classification Sherloc (09022015). Collection method: clinical testing. Allele origin: germline.

Ambry Genetics
Classification: Uncertain significance for Cardiovascular phenotype; Hereditary cancer-predisposing syndrome. Last evaluated: 2019-01-21. Review status: criteria provided, single submitter. Criteria: Ambry Variant Classification Scheme 2023. Collection method: clinical testing. Allele origin: germline.
Comment: The c.289-4T>G intronic alteration consists of a T to G substitution 4 nucleotides before coding exon 4 in the NF1 gene. Based on insufficient or conflicting evidence, the clinical significance of this alteration remains unclear.